The following is an entry in ClinVar:

ClinVar aggregate classification (germline): Uncertain significance (1 of 4 stars; one submission).

Conditions:
Clark-Baraitser syndrome. Also called: BARAITSER SYNDROME; Mental retardation, tall stature, obesity, macrocephaly and typical facial features; Intellectual disability, autosomal dominant 49; MENTAL RETARDATION, AUTOSOMAL DOMINANT 49. Identifiers: Orphanet 600731, MedGen C2931130, MONDO:0030914, OMIM 617752.

gnomAD v4.1: 6 of 1,614,190 alleles (0.00037%); highest among the groups gnomAD compares: Non-Finnish European, 0.00051%; no homozygotes.

Submission:

MGZ Medical Genetics Center
Classification: Uncertain significance for Clark-Baraitser syndrome. Last evaluated: 2022-03-17. Review status: criteria provided, single submitter. Criteria: ACMG Guidelines, 2015. Collection method: clinical testing. Allele origin: germline. Affected: yes. Observed: 1 variant allele.
Comment: ACMG criteria applied: PM2_SUP, PP2, PP3

NM_001348323.3(TRIP12):c.692G>C (p.Gly231Ala)

Gene: TRIP12 (thyroid hormone receptor interactor 12; minus strand). Cytogenetic location: 2q36.3.
Variant type: single nucleotide variant.
Coding change: c.692G>C on transcript NM_001348323.3 (MANE Select); coding-DNA position 692, G replaced by C.
Protein change: p.Gly231Ala; replaces glycine 231 with alanine.
Molecular consequence: missense variant. On other transcripts: intron variant (1).
Genome position (GRCh38, 1-based): chr2:229,859,107, C>G on the plus strand (G>C on the coding strand, the complement: TRIP12 is on the minus strand). VCF-style: chr2-229859107-C-G. GRCh37 (hg19) VCF-style: chr2-230723823-C-G.
Other names: c.692G>C, p.Gly231Ala (NM_001284214.2, NM_001348315.2, NM_001348319.1 and 15 more transcripts); c.566G>C, p.Gly189Ala (NM_001284215.2, NM_001348316.2, NM_001348317.1 and 3 more transcripts); c.98+20875G>C (NM_001284216.2); short protein forms G189A, G231A.
Identifiers: ClinVar variation 1709206 (VCV001709206.2), dbSNP rs372749816, ClinGen allele CA350896417.